The following is an entry in ClinVar:

NM_016333.4(SRRM2):c.6908C>T (p.Pro2303Leu)

Gene: SRRM2 (serine/arginine repetitive matrix 2; plus strand). Cytogenetic location: 16p13.3.
Variant type: single nucleotide variant.
Coding change: c.6908C>T on transcript NM_016333.4 (MANE Select); coding-DNA position 6908, C replaced by T.
Protein change: p.Pro2303Leu; replaces proline 2303 with leucine.
Molecular consequence: missense variant.
Genome position (GRCh38, 1-based): chr16:2,767,436, C>T. VCF-style: chr16-2767436-C-T. GRCh37 (hg19) VCF-style: chr16-2817437-C-T.
Other names: short protein forms P2303L.
Identifiers: ClinVar variation 3360800 (VCV003360800.1).

ClinVar aggregate classification (germline): Uncertain significance (1 of 4 stars; one submission).

gnomAD v4.1: 1 of 1,614,128 alleles (0.000062%); highest among the groups gnomAD compares: Non-Finnish European, 0.000085%; no homozygotes.

Submission:

GeneDx
Classification: Uncertain significance. Last evaluated: 2024-03-26. Review status: criteria provided, single submitter. Criteria: GeneDx Variant Classification Process June 2021. Collection method: clinical testing. Allele origin: germline. Affected: yes.
Comment: Not observed at significant frequency in large population cohorts (gnomAD); In silico analysis supports that this missense variant does not alter protein structure/function; Has not been previously published as pathogenic or benign to our knowledge